The following is an entry in ClinVar:

NM_019066.5(MAGEL2):c.593C>T (p.Pro198Leu)

Gene: MAGEL2 (MAGE family member L2; minus strand). Cytogenetic location: 15q11.2.
Variant type: single nucleotide variant.
Coding change: c.593C>T on transcript NM_019066.5 (MANE Select); coding-DNA position 593, C replaced by T.
Protein change: p.Pro198Leu; replaces proline 198 with leucine.
Molecular consequence: missense variant.
Genome position (GRCh38, 1-based): chr15:23,647,150, G>A on the plus strand (C>T on the coding strand, the complement: MAGEL2 is on the minus strand). VCF-style: chr15-23647150-G-A. GRCh37 (hg19) VCF-style: chr15-23892297-G-A.
Other names: short protein forms P198L.
Identifiers: ClinVar variation 3029246 (VCV003029246.3), dbSNP rs1299701259, ClinGen allele CA391336915.
Genomic context (GRCh38, chr15:23,647,150, plus strand): 5'-GGTGTCCCCGGAGGTGGAGGATGAGCCATCGGTGTCCCCGGAGGGGGAGGATGAGCCATC[G>A]GTGTCCCCGGAGGGGGAGGATGAGCCATCGGGGTCCCCGGAGGAGGAGGATGCACCATCG-3'
Protein context (NP_061939.3, residues 188-208): PMAHPPPPGT[Pro198Leu]MAHPPPPGTP

ClinVar aggregate classification (germline): Uncertain significance. Review status: criteria provided, single submitter (1 of 4 stars). 2 submissions from 2 submitters: Uncertain significance (1). 1 of the submissions does not count toward it. Last evaluated 2024-11-11.

Conditions:
MAGEL2-related disorder. Also called: MAGEL2-related condition.

Allele frequency attached by ClinVar (database versions not stated): gnomAD 0.00001; TOPMed 0.00001.
gnomAD v4.1: 18 of 1,526,382 alleles (0.0012%); highest among the groups gnomAD compares: Non-Finnish European, 0.0013%; no homozygotes.

Submissions (2):

Blueprint Genetics
Classification: Uncertain significance. Last evaluated: 2024-11-11. Review status: criteria provided, single submitter. Criteria: ACMG Guidelines, 2015. Collection method: clinical testing. Allele origin: germline.

PreventionGenetics, part of Exact Sciences
Classification: Uncertain significance for MAGEL2-related condition. Last evaluated: 2023-12-05. Review status: no assertion criteria provided. Collection method: clinical testing. Allele origin: germline. Not counted in ClinVar's aggregate classification.
Comment: The MAGEL2 c.593C>T variant is predicted to result in the amino acid substitution p.Pro198Leu. To our knowledge, this variant has not been reported in the literature or in a large population database, indicating this variant is rare. At this time, the clinical significance of this variant is uncertain due to the absence of conclusive functional and genetic evidence.